The following is an entry in ClinVar:

NM_004431.5(EPHA2):c.187C>A (p.Pro63Thr)

Gene: EPHA2 (EPH receptor A2; minus strand). Cytogenetic location: 1p36.13.
Variant type: single nucleotide variant.
Coding change: c.187C>A on transcript NM_004431.5 (MANE Select); coding-DNA position 187, C replaced by A.
Protein change: p.Pro63Thr; replaces proline 63 with threonine.
Molecular consequence: missense variant.
Genome position (GRCh38, 1-based): chr1:16,149,014, G>T on the plus strand (C>A on the coding strand, the complement: EPHA2 is on the minus strand). VCF-style: chr1-16149014-G-T. GRCh37 (hg19) VCF-style: chr1-16475509-G-T.
Other names: c.25C>A, p.Pro9Thr (NM_001329090.2); short protein forms P63T, P9T.
Identifiers: ClinVar variation 1314033 (VCV001314033.2), dbSNP rs2024988687, ClinGen allele CA338643044.

ClinVar aggregate classification (germline): Uncertain significance (1 of 4 stars; one submission).

Submission:

GeneDx
Classification: Uncertain significance. Last evaluated: 2021-01-13. Review status: criteria provided, single submitter. Criteria: GeneDx Variant Classification Process June 2021. Collection method: clinical testing. Allele origin: germline. Affected: yes.
Comment: Not observed in large population cohorts (Lek et al., 2016); In silico analysis supports that this missense variant has a deleterious effect on protein structure/function; Has not been previously published as pathogenic or benign to our knowledge